The following is an entry in ClinVar:

NM_144670.6(A2ML1):c.484-1G>A

Gene: A2ML1 (alpha-2-macroglobulin like 1; plus strand). Cytogenetic location: 12p13.31.
Variant type: single nucleotide variant.
Coding change: c.484-1G>A on transcript NM_144670.6 (MANE Select); the canonical splice acceptor site of the intron before coding-DNA position 484, G replaced by A.
Molecular consequence: splice acceptor variant.
Genome position (GRCh38, 1-based): chr12:8,835,506, G>A. VCF-style: chr12-8835506-G-A. GRCh37 (hg19) VCF-style: chr12-8988102-G-A.
Identifiers: ClinVar variation 3669922 (VCV003669922.2).

ClinVar aggregate classification (germline): Uncertain significance (1 of 4 stars; one submission).

gnomAD v4.1: 4 of 1,614,016 alleles (0.00025%); highest among the groups gnomAD compares: Non-Finnish European, 0.00025%; no homozygotes.

Submission:

Labcorp Genetics (formerly Invitae), Labcorp
Classification: Uncertain significance. Last evaluated: 2024-02-20. Review status: criteria provided, single submitter. Criteria: Invitae Variant Classification Sherloc (09022015). Collection method: clinical testing. Allele origin: germline.
Comment: This sequence change affects an acceptor splice site in intron 5 of the A2ML1 gene. It is expected to disrupt RNA splicing. Variants that disrupt the donor or acceptor splice site typically lead to a loss of protein function (PMID: 16199547), however the current clinical and genetic evidence is not sufficient to establish whether loss-of-function variants in A2ML1 cause disease. This variant is present in population databases (rs370847561, gnomAD 0.003%). This variant has not been reported in the literature in individuals affected with A2ML1-related conditions. Algorithms developed to predict the effect of sequence changes on RNA splicing suggest that this variant may disrupt the consensus splice site. In summary, the available evidence is currently insufficient to determine the role of this variant in disease. Therefore, it has been classified as a Variant of Uncertain Significance.

Literature cited by the submitters: PubMed 16199547.